The following is an entry in ClinVar:

NM_144964.4(TRMT10B):c.867C>A (p.Tyr289Ter)

Genes: EXOSC3 (exosome component 3; minus strand), TRMT10B (tRNA methyltransferase 10B; plus strand). Cytogenetic location: 9p13.2.
Variant type: single nucleotide variant.
Coding change: c.867C>A on transcript NM_144964.4 (MANE Select); coding-DNA position 867, C replaced by A.
Protein change: p.Tyr289Ter; replaces tyrosine 289 with a stop codon.
Molecular consequence: nonsense. On other transcripts: non-coding transcript variant (1), intron variant (4).
Genome position (GRCh38, 1-based): chr9:37,777,623, C>A. VCF-style: chr9-37777623-C-A. GRCh37 (hg19) VCF-style: chr9-37777620-C-A.
Other names: c.582C>A, p.Tyr194Ter (NM_001286951.2); c.692-5C>A (NM_001286950.2); c.512-5C>A (NM_001286954.2, NM_001286953.2); c.611-5C>A (NM_001286952.2); short protein forms Y194*, Y289*.
Identifiers: ClinVar variation 801362 (VCV000801362.25), dbSNP rs200754365, ClinGen allele CA5062607.

ClinVar aggregate classification (germline): Likely benign. Review status: criteria provided, multiple submitters, no conflicts (2 of 4 stars). 2 submissions from 2 submitters: Likely benign (2). Last evaluated 2025-06-01.

Allele frequency attached by ClinVar (database versions not stated): 1000 Genomes Project 30x 0.00031; 1000 Genomes Project 0.00040; TOPMed 0.00135; gnomAD 0.00213 and 0.00220.
gnomAD v4.1: 3,822 of 1,613,866 alleles (0.24%); highest among the groups gnomAD compares: Non-Finnish European, 0.25%; 12 homozygotes.

Submissions (2):

CeGaT Center for Human Genetics Tuebingen
Classification: Likely benign. Last evaluated: 2025-06-01. Review status: criteria provided, single submitter. Criteria: CeGaT Center For Human Genetics Tuebingen Variant Classification Criteria Version 2. Collection method: clinical testing. Allele origin: germline. Affected: yes. Observed: 2 variant alleles.
Comment: EXOSC3: BS2

Mendelics
Classification: Likely benign. Last evaluated: 2019-05-28. Review status: criteria provided, single submitter. Criteria: Mendelics Assertion Criteria 2017. Collection method: clinical testing. Allele origin: unknown.